The following is an entry in ClinVar:

NM_001164508.2(NEB):c.8251G>A (p.Val2751Ile)

Gene: NEB (nebulin; minus strand). Cytogenetic location: 2q23.3.
Variant type: single nucleotide variant.
Coding change: c.8251G>A on transcript NM_001164508.2 (MANE Select); coding-DNA position 8251, G replaced by A.
Protein change: p.Val2751Ile; replaces valine 2751 with isoleucine.
Molecular consequence: missense variant.
Genome position (GRCh38, 1-based): chr2:151,642,779, C>T on the plus strand (G>A on the coding strand, the complement: NEB is on the minus strand). VCF-style: chr2-151642779-C-T. GRCh37 (hg19) VCF-style: chr2-152499293-C-T.
Other names: c.8251G>A, p.Val2751Ile (NM_001164507.2, NM_001271208.2, NM_004543.5); short protein forms V2751I.
Identifiers: ClinVar variation 2153708 (VCV002153708.1), dbSNP rs1334176135, ClinGen allele CA348812769.

ClinVar aggregate classification (germline): Uncertain significance (1 of 4 stars; one submission).

Conditions:
Nemaline myopathy 2 (NEM2). Also called: Nemaline myopathy 2, autosomal recessive. Identifiers: MedGen C1850569, MONDO:0009725, OMIM 256030.

Allele frequency attached by ClinVar (database versions not stated): gnomAD exomes below 0.00001; TOPMed below 0.00001.

Submission:

Labcorp Genetics (formerly Invitae), Labcorp
Classification: Uncertain significance for Nemaline myopathy 2. Last evaluated: 2022-04-12. Review status: criteria provided, single submitter. Criteria: Invitae Variant Classification Sherloc (09022015). Collection method: clinical testing. Allele origin: germline.
Comment: This sequence change replaces valine, which is neutral and non-polar, with isoleucine, which is neutral and non-polar, at codon 2751 of the NEB protein (p.Val2751Ile). This variant is present in population databases (no rsID available, gnomAD 0.003%). This variant has not been reported in the literature in individuals affected with NEB-related conditions. Algorithms developed to predict the effect of missense changes on protein structure and function output the following: SIFT: "Tolerated"; PolyPhen-2: "Not Available"; Align-GVGD: "Class C0". The isoleucine amino acid residue is found in multiple mammalian species, which suggests that this missense change does not adversely affect protein function. In summary, the available evidence is currently insufficient to determine the role of this variant in disease. Therefore, it has been classified as a Variant of Uncertain Significance.